The following is an entry in ClinVar:

NM_000264.5(PTCH1):c.4240_4241delinsCC (p.Val1414Pro)

Gene: PTCH1 (patched 1; minus strand). Cytogenetic location: 9q22.32.
Variant type: Indel.
Coding change: c.4240_4241delinsCC on transcript NM_000264.5 (MANE Select); coding-DNA positions 4240 to 4241, GT replaced by CC.
Protein change: p.Val1414Pro; replaces valine 1414 with proline.
Molecular consequence: missense variant. On other transcripts: non-coding transcript variant (1).
Genome position (GRCh38, 1-based): chr9:95,447,015-95,447,016, AC replaced by GG on the plus strand (GT replaced by CC on the coding strand, the reverse complement: PTCH1 is on the minus strand). VCF-style: chr9-95447015-AC-GG. GRCh37 (hg19) VCF-style: chr9-98209297-AC-GG.
Other names: c.4042_4043delinsCC, p.Val1348Pro (NM_001083602.3); c.4237_4238delinsCC, p.Val1413Pro (NM_001083603.3); c.3787_3788delinsCC, p.Val1263Pro (NM_001083604.3, NM_001083605.3, NM_001083606.3 and 1 more transcripts); c.4084_4085delinsCC, p.Val1362Pro (NM_001354918.2); short protein forms V1263P, V1348P, V1362P, V1413P, V1414P.
Identifiers: ClinVar variation 1707739 (VCV001707739.10), dbSNP rs2537995480, ClinGen allele CA2580080737.

ClinVar aggregate classification (germline): Uncertain significance. Review status: criteria provided, multiple submitters, no conflicts (2 of 4 stars). 4 submissions from 4 submitters: Uncertain significance (4). Last evaluated 2024-05-07.

Conditions:
Gorlin syndrome. Also called: Nevoid Basal Cell Carcinoma Syndrome; Basal cell nevus syndrome. Identifiers: Orphanet 377, MedGen C0004779, MONDO:0007187.
Basal cell carcinoma, susceptibility to, 1. Also called: BCC1. Identifiers: MedGen C2751544, MONDO:0011556, OMIM 605462.
Basal cell nevus syndrome 1 (BCNS1). Also called: GORLIN-GOLTZ SYNDROME; MULTIPLE BASAL CELL NEVI, ODONTOGENIC KERATOCYSTS, AND SKELETAL ANOMALIES. Identifiers: MedGen CN376810, MONDO:0958174, OMIM 109400.
Holoprosencephaly 7 (HPE7). Identifiers: Orphanet 2162, MedGen C1835820, MONDO:0012562, OMIM 610828.
Hereditary cancer-predisposing syndrome. Also called: Hereditary neoplastic syndrome; Neoplastic Syndromes, Hereditary; Tumor predisposition; Hereditary Cancer Syndrome. Identifiers: Orphanet 140162, MedGen C0027672, MeSH D009386, MONDO:0015356.

Submissions (4):

Ambry Genetics
Classification: Uncertain significance for Hereditary cancer-predisposing syndrome. Last evaluated: 2024-05-07. Review status: criteria provided, single submitter. Criteria: Ambry Variant Classification Scheme 2023. Collection method: clinical testing. Allele origin: germline.
Comment: The c.4240_4241delGTinsCC variant (also known as p.V1414P), located in coding exon 23 of the PTCH1 gene, results from an in-frame deletion of GT and insertion of CC at nucleotide positions 4240 to 4241. This results in the substitution of the valine residue for a proline residue at codon 1414, an amino acid with similar properties. This amino acid position is highly conserved in available vertebrate species. In addition, this alteration is predicted to be neutral by in silico analysis (Choi Y et al. PLoS ONE. 2012; 7(10):e46688). Based on the available evidence, the clinical significance of this variant remains unclear.

Fulgent Genetics
Classification: Uncertain significance for Basal cell nevus syndrome 1; Basal cell carcinoma, susceptibility to, 1; Holoprosencephaly 7. Last evaluated: 2024-05-01. Review status: criteria provided, single submitter. Criteria: ACMG Guidelines, 2015. Collection method: clinical testing. Allele origin: germline.

Labcorp Genetics (formerly Invitae), Labcorp
Classification: Uncertain significance for Gorlin syndrome. Last evaluated: 2023-08-22. Review status: criteria provided, single submitter. Criteria: Invitae Variant Classification Sherloc (09022015). Collection method: clinical testing. Allele origin: germline.
Comment: The frequency data for this variant in the population databases is considered unreliable, as metrics indicate poor data quality at this position in the gnomAD database. This variant has not been reported in the literature in individuals affected with PTCH1-related conditions. ClinVar contains an entry for this variant (Variation ID: 1707739). An algorithm developed to predict the effect of missense changes on protein structure and function (PolyPhen-2) suggests that this variant is likely to be disruptive. In summary, the available evidence is currently insufficient to determine the role of this variant in disease. Therefore, it has been classified as a Variant of Uncertain Significance. This sequence change replaces valine, which is neutral and non-polar, with proline, which is neutral and non-polar, at codon 1414 of the PTCH1 protein (p.Val1414Pro).

GeneDx
Classification: Uncertain significance. Last evaluated: 2022-04-01. Review status: criteria provided, single submitter. Criteria: GeneDx Variant Classification Process June 2021. Collection method: clinical testing. Allele origin: germline. Affected: yes.
Comment: Not observed at significant frequency in large population cohorts (gnomAD); In silico analysis supports that this variant does not alter protein structure/function; Has not been previously published as pathogenic or benign to our knowledge